The following is an entry in ClinVar:

ClinVar aggregate classification (germline): Likely benign (0 of 4 stars; one submission).

Conditions:
PIGU-related disorder. Also called: PIGU-related condition.

Submission:

PreventionGenetics, part of Exact Sciences
Classification: Likely benign for PIGU-related condition. Last evaluated: 2019-12-23. Review status: no assertion criteria provided. Collection method: clinical testing. Allele origin: germline.
Comment: This variant is classified as likely benign based on ACMG/AMP sequence variant interpretation guidelines (Richards et al. 2015 PMID: 25741868, with internal and published modifications).

NM_080476.5(PIGU):c.319-6_319-5dup

Gene: PIGU (phosphatidylinositol glycan anchor biosynthesis class U; minus strand). Cytogenetic location: 20q11.22.
Variant type: Duplication.
Coding change: c.319-6_319-5dup on transcript NM_080476.5 (MANE Select); 6 bases into the intron before coding-DNA position 319 through 5 bases into the intron before coding-DNA position 319, 2 bases duplicated (TT; older notation c.319-6_319-5dupTT).
Molecular consequence: intron variant.
Genome position (GRCh38, 1-based): chr20:34,637,990-34,637,991, AA duplicated on the plus strand (TT on the coding strand, the reverse complement: PIGU is on the minus strand); duplicating any 2 consecutive bases within chr20:34,637,990-34,638,003 gives the same sequence; the c. name uses the placement nearest the transcript's 3' end. VCF-style (leftmost placement, unchanged base first): chr20-34637989-G-GAA. GRCh37 (hg19) VCF-style: chr20-33225793-G-GAA.
Identifiers: ClinVar variation 3037749 (VCV003037749.2), dbSNP rs562683306, ClinGen allele CA9822705.